The following is an entry in ClinVar:

NM_004036.5(ADCY3):c.2639G>A (p.Arg880His)

Gene: ADCY3 (adenylate cyclase 3; minus strand). Cytogenetic location: 2p23.3.
Variant type: single nucleotide variant.
Coding change: c.2639G>A on transcript NM_004036.5 (MANE Select); coding-DNA position 2639, G replaced by A.
Protein change: p.Arg880His; replaces arginine 880 with histidine.
Molecular consequence: missense variant.
Genome position (GRCh38, 1-based): chr2:24,824,475, C>T on the plus strand (G>A on the coding strand, the complement: ADCY3 is on the minus strand). VCF-style: chr2-24824475-C-T. GRCh37 (hg19) VCF-style: chr2-25047344-C-T.
Other names: c.2642G>A, p.Arg881His (NM_001320613.2); c.2705G>A, p.Arg902His (NM_001377128.1); c.2501G>A, p.Arg834His (NM_001377129.1); c.2234G>A, p.Arg745His (NM_001377130.1); c.1916G>A, p.Arg639His (NM_001377131.1); c.2639G>A, p.Arg880His (NM_001377132.1); short protein forms R745H, R639H, R880H, R834H, R902H, R881H.
Identifiers: ClinVar variation 4979104 (VCV004979104.1).
Genomic context (GRCh38, chr2:24,824,475, plus strand): 5'-ACGTGCTCAGGCAACATGTTGGTGACCAAGGCCTCGTTCCAGCGTCGCATCTCATAGACA[C>T]GTTCCTTCTGGTCGTGGACCTCAATCTTCCACAAGAAAAGTGTCCGTGCCAGTTTTTCTA-3'
Protein context (NP_004027.2, residues 870-890): WKIEVHDQKE[Arg880His]VYEMRRWNEA

ClinVar aggregate classification (germline): Uncertain significance (1 of 4 stars; one submission).

Conditions:
ADCY3-related disorder. Also called: ADCY3-related condition.

Submission:

PreventionGenetics, part of Exact Sciences
Classification: Uncertain significance for ADCY3-related condition. Last evaluated: 2026-06-26. Review status: criteria provided, single submitter. Criteria: ACMG Guidelines, 2015. Collection method: clinical testing. Allele origin: germline.
Comment: The ADCY3 c.2642G>A variant is predicted to result in the amino acid substitution p.Arg881His. To our knowledge, this variant has not been reported in the literature. This variant is reported in 0.0029% of alleles in individuals of Latino descent in gnomAD. At this time, the clinical significance of this variant is uncertain due to the absence of conclusive functional and genetic evidence.